The following is an entry in ClinVar:

NM_003000.3(SDHB):c.383A>C (p.Tyr128Ser)

Gene: SDHB (succinate dehydrogenase complex iron sulfur subunit B; minus strand). Cytogenetic location: 1p36.13.
Variant type: single nucleotide variant.
Coding change: c.383A>C on transcript NM_003000.3 (MANE Select); coding-DNA position 383, A replaced by C.
Protein change: p.Tyr128Ser; replaces tyrosine 128 with serine.
Molecular consequence: missense variant.
Genome position (GRCh38, 1-based): chr1:17,028,640, T>G on the plus strand (A>C on the coding strand, the complement: SDHB is on the minus strand). VCF-style: chr1-17028640-T-G. GRCh37 (hg19) VCF-style: chr1-17355135-T-G.
Other names: short protein forms Y128S.
Identifiers: ClinVar variation 2088177 (VCV002088177.7), dbSNP rs772158627, ClinGen allele CA338274317.

ClinVar aggregate classification (germline): Uncertain significance. Review status: criteria provided, multiple submitters, no conflicts (2 of 4 stars). 3 submissions from 3 submitters: Uncertain significance (3). Last evaluated 2025-10-16.

Conditions:
Hereditary cancer-predisposing syndrome. Also called: Hereditary neoplastic syndrome; Neoplastic Syndromes, Hereditary; Hereditary Cancer Syndrome; Tumor predisposition. Identifiers: Orphanet 140162, MedGen C0027672, MeSH D009386, MONDO:0015356.
Pheochromocytoma. Also called: MAX-Related Hereditary Paraganglioma-Pheochromocytoma Syndrome. Identifiers: Orphanet 29072, MedGen C0031511, MONDO:0008233, OMIM 171300, HP:0002666.
Pheochromocytoma/paraganglioma syndrome 4. Also called: CAROTID BODY TUMORS AND MULTIPLE EXTRAADRENAL PHEOCHROMOCYTOMAS; PARAGANGLIOMA, FAMILIAL MALIGNANT; PARAGANGLIOMAS, HEREDITARY EXTRAADRENAL; PHEOCHROMOCYTOMA, FAMILIAL EXTRAADRENAL; Paragangliomas 4; SDHB-Related Hereditary Paraganglioma-Pheochromocytoma Syndrome (Paragangliomas 4). Identifiers: Orphanet 29072, MedGen C1861848, MONDO:0007273, OMIM 115310.
Gastrointestinal stromal tumor. Also called: Gastrointestinal stroma tumor; Gastrointestinal stromal tumor, somatic. Identifiers: Orphanet 44890, MedGen C0238198, MeSH D046152, MONDO:0011719, OMIM 606764, HP:0100723.

Submissions (3):

Quest Diagnostics Nichols Institute San Juan Capistrano
Classification: Uncertain significance. Last evaluated: 2025-10-16. Review status: criteria provided, single submitter. Criteria: Quest Diagnostics criteria. Collection method: clinical testing. Allele origin: unknown.

Labcorp Genetics (formerly Invitae), Labcorp
Classification: Uncertain significance for Gastrointestinal stromal tumor; Pheochromocytoma/paraganglioma syndrome 4; Pheochromocytoma. Last evaluated: 2025-05-30. Review status: criteria provided, single submitter. Criteria: Invitae Variant Classification Sherloc (09022015). Collection method: clinical testing. Allele origin: germline.
Comment: This sequence change replaces tyrosine, which is neutral and polar, with serine, which is neutral and polar, at codon 128 of the SDHB protein (p.Tyr128Ser). This variant is not present in population databases (gnomAD no frequency). This variant has not been reported in the literature in individuals affected with SDHB-related conditions. ClinVar contains an entry for this variant (Variation ID: 2088177). Invitae Evidence Modeling of protein sequence and biophysical properties (such as structural, functional, and spatial information, amino acid conservation, physicochemical variation, residue mobility, and thermodynamic stability) indicates that this missense variant is not expected to disrupt SDHB protein function with a negative predictive value of 80%. In summary, the available evidence is currently insufficient to determine the role of this variant in disease. Therefore, it has been classified as a Variant of Uncertain Significance.

Ambry Genetics
Classification: Uncertain significance for Hereditary cancer-predisposing syndrome. Last evaluated: 2023-06-17. Review status: criteria provided, single submitter. Criteria: Ambry Variant Classification Scheme 2023. Collection method: clinical testing. Allele origin: germline.
Comment: The p.Y128S variant (also known as c.383A>C), located in coding exon 4 of the SDHB gene, results from an A to C substitution at nucleotide position 383. The tyrosine at codon 128 is replaced by serine, an amino acid with dissimilar properties. This amino acid position is conserved. In addition, this alteration is predicted to be deleterious by in silico analysis. Since supporting evidence is limited at this time, the clinical significance of this alteration remains unclear.